The following is an entry in ClinVar:

ClinVar aggregate classification (germline): Pathogenic (1 of 4 stars; one submission).

Conditions:
Generalized epilepsy-paroxysmal dyskinesia syndrome (PNKD3). Also called: Generalized epilepsy and paroxysmal dyskinesia; Paroxysmal nonkinesigenic dyskinesia, 3, with or without generalized epilepsy. Identifiers: Orphanet 79137, MedGen C5574945, MONDO:0012276, OMIM 609446.

Submission:

Labcorp Genetics (formerly Invitae), Labcorp
Classification: Pathogenic for Generalized epilepsy-paroxysmal dyskinesia syndrome. Last evaluated: 2023-12-21. Review status: criteria provided, single submitter. Criteria: Invitae Variant Classification Sherloc (09022015). Collection method: clinical testing. Allele origin: germline.
Comment: This sequence change creates a premature translational stop signal (p.Phe623Leufs*2) in the KCNMA1 gene. It is expected to result in an absent or disrupted protein product. Loss-of-function variants in KCNMA1 are known to be pathogenic (PMID: 27567911, 29545233). This variant is not present in population databases (gnomAD no frequency). This variant has not been reported in the literature in individuals affected with KCNMA1-related conditions. For these reasons, this variant has been classified as Pathogenic.

Literature cited by the submitters: PubMed 27567911; PubMed 29545233.

NM_001161352.2(KCNMA1):c.1869del (p.Phe623fs)

Gene: KCNMA1 (potassium calcium-activated channel subfamily M alpha 1; minus strand). Cytogenetic location: 10q22.3.
Variant type: Deletion.
Coding change: c.1869del on transcript NM_001161352.2 (MANE Select); coding-DNA position 1869, one base deleted (T; older notation c.1869delT).
Protein change: p.Phe623fs; shifts the reading frame from phenylalanine 623.
Molecular consequence: frameshift variant.
Genome position (GRCh38, 1-based): chr10:77,027,882, A deleted on the plus strand (T on the coding strand, the reverse complement: KCNMA1 is on the minus strand); the first of 4 consecutive A bases (chr10:77,027,882-77,027,885); deleting any one gives the same sequence. VCF-style (leftmost placement, unchanged base first): chr10-77027881-CA-C. GRCh37 (hg19) VCF-style: chr10-78787639-CA-C.
Other names: c.1869del, p.Phe623fs (NM_001014797.3, NM_001161353.2, NM_001271519.2 and 8 more transcripts); c.1707del, p.Phe569fs (NM_001271518.2); c.1329del, p.Phe443fs (NM_001322838.2); short protein forms F623fs, F443fs, F569fs.
Identifiers: ClinVar variation 2704729 (VCV002704729.3), dbSNP rs2551593769, ClinGen allele CA2697558501.